The following is an entry in ClinVar:

ClinVar aggregate classification (germline): Benign/Likely benign. Review status: criteria provided, multiple submitters, no conflicts (2 of 4 stars). 5 submissions from 4 submitters: Benign (2); Likely benign (1). 2 of the submissions do not count toward it. Last evaluated 2026-01-28.

Conditions:
Congenital hyperammonemia, type I. Also called: CPS I DEFICIENCY; Carbamoyl phosphate synthetase I deficiency disease; Carbamoyl-phosphate synthase I deficiency; Carbamoyl phosphate synthetase 1 deficiency; Hyperammonemia due to carbamoyl phosphate synthetase 1 deficiency; CPS 1 deficiency. Identifiers: Orphanet 147, MedGen C4082171, MONDO:0009376, OMIM 237300.

Submissions (5):

Labcorp Genetics (formerly Invitae), Labcorp
Classification: Benign for Congenital hyperammonemia, type I. Last evaluated: 2026-01-28. Review status: criteria provided, single submitter. Criteria: Invitae Variant Classification Sherloc (09022015). Collection method: clinical testing. Allele origin: germline.

GeneDx
Classification: Benign. Last evaluated: 2018-01-18. Review status: criteria provided, single submitter. Criteria: GeneDx Variant Classification (06012015). Collection method: clinical testing. Allele origin: germline. Affected: yes.
Comment: This variant is considered likely benign or benign based on one or more of the following criteria: it is a conservative change, it occurs at a poorly conserved position in the protein, it is predicted to be benign by multiple in silico algorithms, and/or has population frequency not consistent with disease.

Genome Diagnostics Laboratory, University Medical Center Utrecht
Classification: Likely benign for Congenital hyperammonemia, type I. Last evaluated: 2015-05-18. Review status: criteria provided, single submitter. Criteria: ACGS Guidelines, 2013. Collection method: clinical testing. Allele origin: germline. Affected: yes. Study: VKGL Data-share Consensus.

Clinical Genetics, Academic Medical Center
Classification: Likely benign. Review status: no assertion criteria provided. Collection method: clinical testing. Allele origin: germline. Affected: yes. Study: VKGL Data-share Consensus. Not counted in ClinVar's aggregate classification.

Genome Diagnostics Laboratory, University Medical Center Utrecht
Classification: Likely benign. Review status: no assertion criteria provided. Collection method: clinical testing. Allele origin: germline. Affected: yes. Study: VKGL Data-share Consensus. Not counted in ClinVar's aggregate classification.

NM_001875.5(CPS1):c.3928-9_3928-8del

Gene: CPS1 (carbamoyl-phosphate synthase 1; plus strand). Cytogenetic location: 2q34.
Variant type: Deletion.
Coding change: c.3928-9_3928-8del on transcript NM_001875.5 (MANE Select); 9 bases into the intron before coding-DNA position 3928 through 8 bases into the intron before coding-DNA position 3928, 2 bases deleted (TT; older notation c.3928-9_3928-8delTT).
Molecular consequence: intron variant.
Genome position (GRCh38, 1-based): chr2:210,663,114-210,663,115, TT deleted; deleting any 2 consecutive bases within chr2:210,663,104-210,663,115 gives the same sequence; the c. name uses the placement nearest the transcript's 3' end. VCF-style (leftmost placement, unchanged base first): chr2-210663103-GTT-G. GRCh37 (hg19) VCF-style: chr2-211527827-GTT-G.
Other names: c.3928-19_3928-18del (LRG_336t1); c.3928-9_3928-8del (NM_001369257.1, NM_001122633.3); c.3961-9_3961-8del (NM_001369256.1); c.3946-19_3946-18delTT (NM_001122633.2); c.3928-19_3928-18delTT (NM_001875.4).
Identifiers: ClinVar variation 429199 (VCV000429199.13), dbSNP rs397703682, ClinGen allele CA2087121.